The following is an entry in ClinVar:

ClinVar aggregate classification (germline): Pathogenic. Review status: criteria provided, multiple submitters, no conflicts (2 of 4 stars). 3 submissions from 3 submitters: Pathogenic (3). Last evaluated 2025-12-04.

Conditions:
Multiple congenital exostosis (EXT). Also called: MULTIPLE CARTILAGINOUS EXOSTOSES; Hereditary multiple exostoses; Hereditary multiple exostosis; Multiple osteochondromas; Hereditary multiple osteochondromas; Multiple exostoses. Identifiers: Orphanet 321, MedGen C0015306, MONDO:0005508, HP:0002762.

Submissions (3):

GeneDx
Classification: Pathogenic. Last evaluated: 2025-12-04. Review status: criteria provided, single submitter. Criteria: GeneDx Variant Classification Process June 2021. Collection method: clinical testing. Allele origin: germline. Affected: yes.
Comment: Nonsense variant predicted to result in protein truncation or nonsense mediated decay in a gene for which loss of function is a known mechanism of disease; Not observed at significant frequency in large population cohorts (gnomAD); This variant is associated with the following publications: (PMID: 23262345, 11432960, 30806661, 10934647)

Labcorp Genetics (formerly Invitae), Labcorp
Classification: Pathogenic for Multiple congenital exostosis. Last evaluated: 2025-09-06. Review status: criteria provided, single submitter. Criteria: Invitae Variant Classification Sherloc (09022015). Collection method: clinical testing. Allele origin: germline.
Comment: This sequence change creates a premature translational stop signal (p.Gln84*) in the EXT1 gene. It is expected to result in an absent or disrupted protein product. Loss-of-function variants in EXT1 are known to be pathogenic (PMID: 10679937, 11391482, 19810120). This variant is not present in population databases (gnomAD no frequency). This premature translational stop signal has been observed in individual(s) with multiple exostoses (PMID: 11432960). ClinVar contains an entry for this variant (Variation ID: 419258). For these reasons, this variant has been classified as Pathogenic.

CeGaT Center for Human Genetics Tuebingen
Classification: Pathogenic. Last evaluated: 2023-10-01. Review status: criteria provided, single submitter. Criteria: CeGaT Center For Human Genetics Tuebingen Variant Classification Criteria Version 2. Collection method: clinical testing. Allele origin: germline. Affected: yes. Observed: 1 variant allele.
Comment: EXT1: PVS1, PM2, PS4:Moderate

Literature cited by the submitters: PubMed 10679937 (cited by Labcorp Genetics (formerly Invitae), Labcorp); PubMed 11391482 (cited by Labcorp Genetics (formerly Invitae), Labcorp); PubMed 19810120 (cited by Labcorp Genetics (formerly Invitae), Labcorp); PubMed 11432960 (cited by Labcorp Genetics (formerly Invitae), Labcorp).

NM_000127.3(EXT1):c.250C>T (p.Gln84Ter)

Gene: EXT1 (exostosin glycosyltransferase 1; minus strand). Cytogenetic location: 8q24.11.
Variant type: single nucleotide variant.
Coding change: c.250C>T on transcript NM_000127.3 (MANE Select); coding-DNA position 250, C replaced by T.
Protein change: p.Gln84Ter; replaces glutamine 84 with a stop codon.
Molecular consequence: nonsense.
Genome position (GRCh38, 1-based): chr8:118,110,797, G>A on the plus strand (C>T on the coding strand, the complement: EXT1 is on the minus strand). VCF-style: chr8-118110797-G-A. GRCh37 (hg19) VCF-style: chr8-119123036-G-A.
Other names: short protein forms Q84*.
Identifiers: ClinVar variation 419258 (VCV000419258.30), dbSNP rs1064793753, ClinGen allele CA16618592.